The following is an entry in ClinVar:

ClinVar aggregate classification (germline): Uncertain significance. Review status: criteria provided, multiple submitters, no conflicts (2 of 4 stars). 6 submissions from 6 submitters: Uncertain significance (6). Last evaluated 2026-07-02.

Conditions:
Loeys-Dietz syndrome 2 (LDS2). Also called: TGFBR2-Related Loeys-Dietz Syndrome; AORTIC ANEURYSM, FAMILIAL THORACIC 3; MARFAN SYNDROME, TYPE II; Marfan Syndrome type 2; Marfan like connective tissue disorder; MFS 2. Identifiers: Orphanet 284973, Orphanet 558, MedGen C2674574, MONDO:0012427, OMIM 610168.
Familial thoracic aortic aneurysm and aortic dissection (TAAD). Also called: Thoracic aortic aneurysms and dissections. Identifiers: Orphanet 91387, MedGen C4707243, MONDO:0019625.
TGFBR2-related disorder. Also called: TGFBR2-related condition.
Colorectal cancer, hereditary nonpolyposis, type 6. Also called: Colon cancer, hereditary nonpolyposis, type 6; Colon cancer, hereditary nonpolyposis, type 6, somatic. Identifiers: Orphanet 144, MedGen C1860896, MONDO:0013695, OMIM 614331.
Malignant tumor of esophagus. Also called: Esophageal cancer, somatic; Esophageal cancer. Identifiers: Orphanet 99977, MedGen C0546837, MONDO:0007576, OMIM 133239.

Allele frequency attached by ClinVar (database versions not stated): gnomAD exomes 0.00001; ExAC 0.00001; gnomAD 0.00001; TOPMed 0.00001; ESP Exome Variant Server 0.00008.
gnomAD v4.1: 4 of 1,614,078 alleles (0.00025%); highest among the groups gnomAD compares: Non-Finnish European, 0.00034%; no homozygotes.

Submissions (6):

Ambry Genetics
Classification: Uncertain significance for Familial thoracic aortic aneurysm and aortic dissection. Last evaluated: 2026-07-02. Review status: criteria provided, single submitter. Criteria: Ambry Variant Classification Scheme 2023. Collection method: clinical testing. Allele origin: germline.
Comment: The p.S293L variant (also known as c.878C>T), located in coding exon 5 of the TGFBR2 gene, results from a C to T substitution at nucleotide position 878. The serine at codon 293 is replaced by leucine, an amino acid with dissimilar properties. This amino acid position is conserved. In addition, this alteration is predicted to be deleterious by in silico analysis. Based on the available evidence, the clinical significance of this variant remains unclear.

PreventionGenetics, part of Exact Sciences
Classification: Uncertain significance for TGFBR2-related condition. Last evaluated: 2026-05-14. Review status: criteria provided, single submitter. Criteria: ACMG Guidelines, 2015. Collection method: clinical testing. Allele origin: germline.
Comment: The TGFBR2 c.803C>T variant is predicted to result in the amino acid substitution p.Ser268Leu. To our knowledge, this variant has not been reported in the literature. This variant is reported in 0.0018% of alleles in individuals of European (Non-Finnish) descent in gnomAD. At this time, the clinical significance of this variant is uncertain due to the absence of conclusive functional and genetic evidence.

Labcorp Genetics (formerly Invitae), Labcorp
Classification: Uncertain significance for Familial thoracic aortic aneurysm and aortic dissection. Last evaluated: 2025-10-27. Review status: criteria provided, single submitter. Criteria: Invitae Variant Classification Sherloc (09022015). Collection method: clinical testing. Allele origin: germline.
Comment: This sequence change replaces serine, which is neutral and polar, with leucine, which is neutral and non-polar, at codon 268 of the TGFBR2 protein (p.Ser268Leu). This variant is present in population databases (rs139078984, gnomAD 0.002%). This variant has not been reported in the literature in individuals affected with TGFBR2-related conditions. ClinVar contains an entry for this variant (Variation ID: 919917). Invitae Evidence Modeling of protein sequence and biophysical properties (such as structural, functional, and spatial information, amino acid conservation, physicochemical variation, residue mobility, and thermodynamic stability) has been performed for this missense variant. However, the output from this modeling did not meet the statistical confidence thresholds required to predict the impact of this variant on TGFBR2 protein function. In summary, the available evidence is currently insufficient to determine the role of this variant in disease. Therefore, it has been classified as a Variant of Uncertain Significance.

All of Us Research Program, National Institutes of Health
Classification: Uncertain significance for Loeys-Dietz syndrome 2. Last evaluated: 2024-09-23. Review status: criteria provided, single submitter. Criteria: ACMG Guidelines, 2015. Collection method: clinical testing. Allele origin: germline. Inheritance: Autosomal dominant inheritance. Observed: 5 variant alleles, 5 heterozygotes.
Comment: This missense variant replaces serine with leucine at codon 268 of the TGFBR2 protein. Computational prediction is inconclusive regarding the impact of this variant on protein structure and function (internally defined REVEL score threshold 0.5 < inconclusive < 0.7, PMID: 27666373). To our knowledge, functional studies have not been reported for this variant. This variant has not been reported in individuals affected with cardiovascular disorders in the literature. This variant has been identified in 2/249812 chromosomes in the general population by the Genome Aggregation Database (gnomAD). The available evidence is insufficient to determine the role of this variant in disease conclusively. Therefore, this variant is classified as a Variant of Uncertain Significance.

This study involves interpretation of variants in research participants for the purpose of population health screening. Participant phenotype was not available at the time of variant classification. Additional details can be found in publication PMID: 35346344, PMCID: PMC8962531

Color Diagnostics, LLC DBA Color Health
Classification: Uncertain significance for Familial thoracic aortic aneurysm and aortic dissection. Last evaluated: 2024-03-06. Review status: criteria provided, single submitter. Criteria: ACMG Guidelines, 2015. Collection method: clinical testing. Allele origin: germline.
Comment: This missense variant replaces serine with leucine at codon 268 of the TGFBR2 protein. Computational prediction is inconclusive regarding the impact of this variant on protein structure and function (internally defined REVEL score threshold 0.5 < inconclusive < 0.7, PMID: 27666373). To our knowledge, functional studies have not been reported for this variant. This variant has not been reported in individuals affected with cardiovascular disorders in the literature. This variant has been identified in 2/249812 chromosomes in the general population by the Genome Aggregation Database (gnomAD). The available evidence is insufficient to determine the role of this variant in disease conclusively. Therefore, this variant is classified as a Variant of Uncertain Significance.

Fulgent Genetics
Classification: Uncertain significance for Malignant tumor of esophagus; Loeys-Dietz syndrome 2; Colorectal cancer, hereditary nonpolyposis, type 6. Last evaluated: 2021-08-23. Review status: criteria provided, single submitter. Criteria: ACMG Guidelines, 2015. Collection method: clinical testing. Allele origin: unknown.

NM_003242.6(TGFBR2):c.803C>T (p.Ser268Leu)

Gene: TGFBR2 (transforming growth factor beta receptor 2; plus strand). Cytogenetic location: 3p24.1.
Variant type: single nucleotide variant.
Coding change: c.803C>T on transcript NM_003242.6 (MANE Select); coding-DNA position 803, C replaced by T.
Protein change: p.Ser268Leu; replaces serine 268 with leucine.
Molecular consequence: missense variant.
Genome position (GRCh38, 1-based): chr3:30,671,986, C>T. VCF-style: chr3-30671986-C-T. GRCh37 (hg19) VCF-style: chr3-30713478-C-T.
Other names: c.830C>T, p.Ser277Leu (NM_001407128.1); c.806C>T, p.Ser269Leu (NM_001407129.1); c.803C>T, p.Ser268Leu (NM_001407130.1); c.698C>T, p.Ser233Leu (NM_001407132.1, NM_001407133.1, NM_001407134.1 and 2 more transcripts); c.518C>T, p.Ser173Leu (NM_001407137.1); c.878C>T, p.Ser293Leu (NM_001024847.3); c.986C>T, p.Ser329Leu (NM_001407126.1); c.911C>T, p.Ser304Leu (NM_001407127.1); and 1 more; short protein forms S293L, S268L, S148L, S304L, S233L, S269L, S173L, S277L.
Identifiers: ClinVar variation 919917 (VCV000919917.17), dbSNP rs139078984, ClinGen allele CA049919.